The following is an entry in ClinVar:

ClinVar aggregate classification (germline): Conflicting classifications of pathogenicity. Review status: criteria provided, conflicting classifications (1 of 4 stars). 4 submissions from 4 submitters: Likely pathogenic (1); Uncertain significance (3). Last evaluated 2026-08-10.

Conditions:
SKIN/HAIR/EYE PIGMENTATION 1, BLUE/NONBLUE EYES (SHEP1). Also called: BROWN EYE COLOR 2; EYE COLOR 3; EYE COLOR, BLUE/NONBLUE; EYE COLOR, BROWN/BLUE; HAIR COLOR 3; SKIN/HAIR/EYE PIGMENTATION 1, BLOND/BROWN HAIR. Identifiers: MedGen C1856895, OMIM 227220.
Tyrosinase-positive oculocutaneous albinism (OCA2). Also called: ALBINISM II; Albinism, oculocutaneous, type II; Oculocutaneous albinism type 2. Identifiers: Orphanet 79432, MedGen C0268495, MONDO:0008746, OMIM 203200.
Oculocutaneous albinism. Identifiers: Orphanet 55, MedGen C0078918, MONDO:0018910.

Allele frequency attached by ClinVar (database versions not stated): TOPMed 0.00019; gnomAD 0.00021 and 0.00025; ESP Exome Variant Server 0.00023; 1000 Genomes Project 0.00100; 1000 Genomes Project 30x 0.00109.
gnomAD v4.1: 97 of 1,613,114 alleles (0.006%); highest among the groups gnomAD compares: African/African-American, 0.095%; no homozygotes.

Submissions (4):

Myriad Genetics, Inc.
Classification: Uncertain significance for Tyrosinase-positive oculocutaneous albinism. Last evaluated: 2026-08-10. Review status: criteria provided, single submitter. Criteria: Myriad Autosomal Dominant, Autosomal Recessive and X-Linked Classification Criteria (2023). Collection method: clinical testing. Allele origin: unknown.
Comment: NM_000275.2(OCA2):c.1663C>T(R555C) is a missense variant classified as a variant of uncertain significance in the context of oculocutaneous albinism, OCA2-related. R555C has been observed in cases with relevant disease (PMID: 19865097, 34707637, 34838614). Relevant functional assessments of this variant are not available in the literature. R555C has been observed in referenced population frequency databases. In summary, there is insufficient evidence to classify NM_000275.2(OCA2):c.1663C>T(R555C) as pathogenic or benign. Please note: this variant was assessed in the context of healthy population screening.

Women's Health and Genetics/Laboratory Corporation of America, LabCorp
Classification: Likely pathogenic for Oculocutaneous albinism. Last evaluated: 2026-05-12. Review status: criteria provided, single submitter. Criteria: LabCorp Variant Classification Summary - May 2015. Collection method: clinical testing. Allele origin: germline.
Comment: Variant summary: OCA2 c.1663C>T (p.Arg555Cys) results in a non-conservative amino acid change in the encoded protein sequence. Algorithms developed to predict the effect of missense changes on protein structure and function all suggest that this variant is likely to be disruptive. The variant allele was found at a frequency of 9.7e-05 in 246930 control chromosomes. This frequency is not significantly higher than estimated for disease-causing variants in OCA2, allowing no conclusion about variant significance. c.1663C>T has been observed in the presumed compound heterozygous state in at least 2 individual(s) affected with Oculocutaneous Albinism (example, Ma_2021, Wei_2022). These data indicate that the variant may be associated with disease. To our knowledge, no experimental evidence demonstrating an impact on protein function has been reported. The following publications have been ascertained in the context of this evaluation (PMID: 34707637, 19865097, 34838614). ClinVar contains an entry for this variant (Variation ID: 1407900). Based on the evidence outlined above, the variant was classified as likely pathogenic.

Labcorp Genetics (formerly Invitae), Labcorp
Classification: Uncertain significance. Last evaluated: 2022-05-08. Review status: criteria provided, single submitter. Criteria: Invitae Variant Classification Sherloc (09022015). Collection method: clinical testing. Allele origin: germline.
Comment: This sequence change replaces arginine, which is basic and polar, with cysteine, which is neutral and slightly polar, at codon 555 of the OCA2 protein (p.Arg555Cys). This variant is present in population databases (rs141611162, gnomAD 0.1%). This missense change has been observed in individual(s) with oculocutaneous albinism (PMID: 19865097). Algorithms developed to predict the effect of missense changes on protein structure and function are either unavailable or do not agree on the potential impact of this missense change (SIFT: "Deleterious"; PolyPhen-2: "Probably Damaging"; Align-GVGD: "Class C0"). Algorithms developed to predict the effect of sequence changes on RNA splicing suggest that this variant may create or strengthen a splice site. In summary, the available evidence is currently insufficient to determine the role of this variant in disease. Therefore, it has been classified as a Variant of Uncertain Significance.

Fulgent Genetics
Classification: Uncertain significance for Tyrosinase-positive oculocutaneous albinism; SKIN/HAIR/EYE PIGMENTATION 1, BLUE/NONBLUE EYES. Last evaluated: 2022-03-31. Review status: criteria provided, single submitter. Criteria: ACMG Guidelines, 2015. Collection method: clinical testing. Allele origin: unknown.

Literature cited by the submitters: PubMed 19865097 (cited by 3 submitters); PubMed 34707637 (cited by Myriad Genetics, Inc. and Women's Health and Genetics/Laboratory Corporation of America, LabCorp); PubMed 34838614 (cited by Myriad Genetics, Inc. and Women's Health and Genetics/Laboratory Corporation of America, LabCorp).

NM_000275.3(OCA2):c.1663C>T (p.Arg555Cys)

Gene: OCA2 (OCA2 melanosomal transmembrane protein; minus strand). Cytogenetic location: 15q13.1.
Variant type: single nucleotide variant.
Coding change: c.1663C>T on transcript NM_000275.3 (MANE Select); coding-DNA position 1663, C replaced by T.
Protein change: p.Arg555Cys; replaces arginine 555 with cysteine.
Molecular consequence: missense variant.
Genome position (GRCh38, 1-based): chr15:27,957,709, G>A on the plus strand (C>T on the coding strand, the complement: OCA2 is on the minus strand). VCF-style: chr15-27957709-G-A. GRCh37 (hg19) VCF-style: chr15-28202855-G-A.
Other names: c.1591C>T, p.Arg531Cys (NM_001300984.2); short protein forms R531C, R555C.
Identifiers: ClinVar variation 1407900 (VCV001407900.6), dbSNP rs141611162, ClinGen allele CA7438952.